The following is an entry in ClinVar:

ClinVar aggregate classification (germline): Likely pathogenic (1 of 4 stars; one submission).

Allele frequency attached by ClinVar (database versions not stated): gnomAD 0.00001.
gnomAD v4.1: 1 of 1,613,890 alleles (0.000062%); highest among the groups gnomAD compares: African/African-American, 0.0013%; no homozygotes.

Submission:

GeneDx
Classification: Likely pathogenic. Last evaluated: 2018-11-23. Review status: criteria provided, single submitter. Criteria: GeneDx Variant Classification Process June 2021. Collection method: clinical testing. Allele origin: germline. Affected: yes.
Comment: Canonical splice site variant in a gene for which loss-of-function is a known mechanism of disease; Not observed in large population cohorts (Lek et al., 2016; McVean et al., 2012; Exome Variant Server); Has not been previously reported as pathogenic or benign to our knowledge

NM_016239.4(MYO15A):c.5649+1G>T

Gene: MYO15A (myosin XVA; plus strand). Cytogenetic location: 17p11.2.
Variant type: single nucleotide variant.
Coding change: c.5649+1G>T on transcript NM_016239.4 (MANE Select); the canonical splice donor site of the intron after coding-DNA position 5649, G replaced by T.
Molecular consequence: splice donor variant.
Genome position (GRCh38, 1-based): chr17:18,141,771, G>T. VCF-style: chr17-18141771-G-T. GRCh37 (hg19) VCF-style: chr17-18045085-G-T.
Identifiers: ClinVar variation 1207490 (VCV001207490.3), dbSNP rs2046386900, ClinGen allele CA398602996.